The following is an entry in ClinVar:

NM_000350.3(ABCA4):c.2833G>A (p.Ala945Thr)

Gene: ABCA4 (ATP binding cassette subfamily A member 4; minus strand). Cytogenetic location: 1p22.1.
Variant type: single nucleotide variant.
Coding change: c.2833G>A on transcript NM_000350.3 (MANE Select); coding-DNA position 2833, G replaced by A.
Protein change: p.Ala945Thr; replaces alanine 945 with threonine.
Molecular consequence: missense variant.
Genome position (GRCh38, 1-based): chr1:94,047,004, C>T on the plus strand (G>A on the coding strand, the complement: ABCA4 is on the minus strand). VCF-style: chr1-94047004-C-T. GRCh37 (hg19) VCF-style: chr1-94512560-C-T.
Other names: c.2611G>A, p.Ala871Thr (NM_001425324.1); short protein forms A945T, A871T.
Identifiers: ClinVar variation 1954599 (VCV001954599.3), dbSNP rs150616268, ClinGen allele CA341275455.

ClinVar aggregate classification (germline): Uncertain significance (1 of 4 stars; one submission).

Submission:

Labcorp Genetics (formerly Invitae), Labcorp
Classification: Uncertain significance. Last evaluated: 2025-07-07. Review status: criteria provided, single submitter. Criteria: Invitae Variant Classification Sherloc (09022015). Collection method: clinical testing. Allele origin: germline.
Comment: This sequence change replaces alanine, which is neutral and non-polar, with threonine, which is neutral and polar, at codon 945 of the ABCA4 protein (p.Ala945Thr). This variant is not present in population databases (gnomAD no frequency). This variant has not been reported in the literature in individuals affected with ABCA4-related conditions. ClinVar contains an entry for this variant (Variation ID: 1954599). Invitae Evidence Modeling of protein sequence and biophysical properties (such as structural, functional, and spatial information, amino acid conservation, physicochemical variation, residue mobility, and thermodynamic stability) indicates that this missense variant is expected to disrupt ABCA4 protein function with a positive predictive value of 95%. In summary, the available evidence is currently insufficient to determine the role of this variant in disease. Therefore, it has been classified as a Variant of Uncertain Significance.